The following is an entry in ClinVar:

NM_198253.3(TERT):c.412G>C (p.Gly138Arg)

Gene: TERT (telomerase reverse transcriptase; minus strand). Cytogenetic location: 5p15.33.
Variant type: single nucleotide variant.
Coding change: c.412G>C on transcript NM_198253.3 (MANE Select); coding-DNA position 412, G replaced by C.
Protein change: p.Gly138Arg; replaces glycine 138 with arginine.
Molecular consequence: missense variant. On other transcripts: non-coding transcript variant (2).
Genome position (GRCh38, 1-based): chr5:1,294,474, C>G on the plus strand (G>C on the coding strand, the complement: TERT is on the minus strand). VCF-style: chr5-1294474-C-G. GRCh37 (hg19) VCF-style: chr5-1294589-C-G.
Other names: c.412G>C, p.Gly138Arg (NM_001193376.3, NM_003219.1); short protein forms G138R.
Identifiers: ClinVar variation 3238460 (VCV003238460.1), dbSNP rs2126689938.

ClinVar aggregate classification (germline): Uncertain significance (1 of 4 stars; one submission).

Conditions:
Dyskeratosis congenita. Identifiers: Orphanet 1775, MedGen C0265965, MONDO:0015780.

Submission:

Ambry Genetics
Classification: Uncertain significance for Dyskeratosis congenita. Last evaluated: 2023-12-05. Review status: criteria provided, single submitter. Criteria: Ambry Variant Classification Scheme 2023. Collection method: clinical testing. Allele origin: germline.
Comment: The p.G138R variant (also known as c.412G>C), located in coding exon 2 of the TERT gene, results from a G to C substitution at nucleotide position 412. The glycine at codon 138 is replaced by arginine, an amino acid with dissimilar properties. This amino acid position is conserved. In addition, the in silico prediction for this alteration is inconclusive. Since supporting evidence is limited at this time, the clinical significance of this alteration remains unclear.